The following is an entry in ClinVar:

ClinVar aggregate classification (germline): Uncertain significance (1 of 4 stars; one submission).

Conditions:
Long QT syndrome (LQTS). Identifiers: MedGen C0023976, MeSH D008133, MONDO:0002442. Disease mechanism: loss of function. Inheritance: Various modes of inheritance.

gnomAD v4.1: 3 of 1,594,164 alleles (0.00019%); highest among the groups gnomAD compares: African/African-American, 0.0027%; no homozygotes.

Submission:

Labcorp Genetics (formerly Invitae), Labcorp
Classification: Uncertain significance for Long QT syndrome. Last evaluated: 2024-09-06. Review status: criteria provided, single submitter. Criteria: Invitae Variant Classification Sherloc (09022015). Collection method: clinical testing. Allele origin: germline.
Comment: This sequence change replaces threonine, which is neutral and polar, with isoleucine, which is neutral and non-polar, at codon 45 of the CACNA1C protein (p.Thr45Ile). This variant is not present in population databases (gnomAD no frequency). This variant has not been reported in the literature in individuals affected with CACNA1C-related conditions. Invitae Evidence Modeling of protein sequence and biophysical properties (such as structural, functional, and spatial information, amino acid conservation, physicochemical variation, residue mobility, and thermodynamic stability) indicates that this missense variant is not expected to disrupt CACNA1C protein function with a negative predictive value of 95%. In summary, the available evidence is currently insufficient to determine the role of this variant in disease. Therefore, it has been classified as a Variant of Uncertain Significance.

NM_000719.7(CACNA1C):c.134C>T (p.Thr45Ile)

Gene: CACNA1C (calcium voltage-gated channel subunit alpha1 C; plus strand). Cytogenetic location: 12p13.33.
Variant type: single nucleotide variant.
Coding change: c.134C>T on transcript NM_000719.7 (MANE Select); coding-DNA position 134, C replaced by T.
Protein change: p.Thr45Ile; replaces threonine 45 with isoleucine.
Molecular consequence: missense variant.
Genome position (GRCh38, 1-based): chr12:2,115,308, C>T. VCF-style: chr12-2115308-C-T. GRCh37 (hg19) VCF-style: chr12-2224474-C-T.
Other names: c.134C>T, p.Thr45Ile (NM_001129827.2, NM_001129829.2, NM_001129830.3 and 19 more transcripts); short protein forms T45I.
Identifiers: ClinVar variation 3672395 (VCV003672395.2).
Genomic context (GRCh38, chr12:2,115,308, plus strand): 5'-CCGCCCATGCCAACATGAATGCCAATGCGGCAGCGGGGCTGGCCCCTGAGCACATCCCCA[C>T]CCCGGGGGCTGCCCTGTCGTGGCAGGCGGCCATCGACGCAGCCCGGCAGGCTAAGCTGAT-3'
Protein context (NP_000710.5, residues 35-55): AAGLAPEHIP[Thr45Ile]PGAALSWQAA